The following is an entry in ClinVar:

NM_032447.5(FBN3):c.445C>T (p.Pro149Ser)

Gene: FBN3 (fibrillin 3; minus strand). Cytogenetic location: 19p13.2.
Variant type: single nucleotide variant.
Coding change: c.445C>T on transcript NM_032447.5 (MANE Select); coding-DNA position 445, C replaced by T.
Protein change: p.Pro149Ser; replaces proline 149 with serine.
Molecular consequence: missense variant.
Genome position (GRCh38, 1-based): chr19:8,145,843, G>A on the plus strand (C>T on the coding strand, the complement: FBN3 is on the minus strand). VCF-style: chr19-8145843-G-A. GRCh37 (hg19) VCF-style: chr19-8210727-G-A.
Other names: c.445C>T, p.Pro149Ser (NM_001321431.2); short protein forms P149S.
Identifiers: ClinVar variation 2882703 (VCV002882703.3), dbSNP rs770954948, ClinGen allele CA9153735.

ClinVar aggregate classification (germline): Uncertain significance (1 of 4 stars; one submission).

Allele frequency attached by ClinVar (database versions not stated): TOPMed 0.00002; gnomAD exomes 0.00012; ExAC 0.00005; gnomAD 0.00001.
gnomAD v4.1: 161 of 1,550,050 alleles (0.01%); highest among the groups gnomAD compares: Non-Finnish European, 0.013%; no homozygotes.

Submission:

Labcorp Genetics (formerly Invitae), Labcorp
Classification: Uncertain significance. Last evaluated: 2025-05-01. Review status: criteria provided, single submitter. Criteria: Invitae Variant Classification Sherloc (09022015). Collection method: clinical testing. Allele origin: germline.
Comment: This sequence change replaces proline, which is neutral and non-polar, with serine, which is neutral and polar, at codon 149 of the FBN3 protein (p.Pro149Ser). The frequency data for this variant in the population databases is considered unreliable, as metrics indicate poor data quality at this position in the gnomAD database. This variant has not been reported in the literature in individuals affected with FBN3-related conditions. ClinVar contains an entry for this variant (Variation ID: 2882703). An algorithm developed to predict the effect of missense changes on protein structure and function (PolyPhen-2) suggests that this variant is likely to be disruptive. In summary, the available evidence is currently insufficient to determine the role of this variant in disease. Therefore, it has been classified as a Variant of Uncertain Significance.